The following is an entry in ClinVar:

ClinVar aggregate classification (germline): Benign/Likely benign. Review status: criteria provided, multiple submitters, no conflicts (2 of 4 stars). 3 submissions from 3 submitters: Benign (1); Likely benign (2). Last evaluated 2025-06-06.

Conditions:
Tuberous sclerosis 2 (TSC2). Identifiers: Orphanet 805, MedGen C1860707, MONDO:0013199, OMIM 613254.
Hereditary cancer-predisposing syndrome. Also called: Hereditary neoplastic syndrome; Tumor predisposition; Neoplastic Syndromes, Hereditary; Hereditary Cancer Syndrome. Identifiers: Orphanet 140162, MedGen C0027672, MeSH D009386, MONDO:0015356.

Allele frequency attached by ClinVar (database versions not stated): ExAC 0.00001; gnomAD 0.00001; 1000 Genomes Project 0.00020; 1000 Genomes Project 30x 0.00031.
gnomAD v4.1: 1 of 1,612,990 alleles (0.000062%); highest among the groups gnomAD compares: African/African-American, 0.0013%; no homozygotes.

Submissions (3):

Myriad Genetics, Inc.
Classification: Benign for Tuberous sclerosis 2. Last evaluated: 2025-06-06. Review status: criteria provided, single submitter. Criteria: Myriad Autosomal Dominant, Autosomal Recessive and X-Linked Classification Criteria (2023). Collection method: clinical testing. Allele origin: unknown.
Comment: This variant is considered benign. This variant is a silent/synonymous amino acid change and it is not expected to impact splicing.

Labcorp Genetics (formerly Invitae), Labcorp
Classification: Likely benign for Tuberous sclerosis 2. Last evaluated: 2023-10-10. Review status: criteria provided, single submitter. Criteria: Invitae Variant Classification Sherloc (09022015). Collection method: clinical testing. Allele origin: germline.

Ambry Genetics
Classification: Likely benign for Hereditary cancer-predisposing syndrome. Last evaluated: 2020-10-29. Review status: criteria provided, single submitter. Criteria: Ambry Variant Classification Scheme 2023. Collection method: clinical testing. Allele origin: germline.

NM_000548.5(TSC2):c.5127C>T (p.Pro1709=)

Gene: TSC2 (TSC complex subunit 2; plus strand). Cytogenetic location: 16p13.3.
Variant type: single nucleotide variant.
Coding change: c.5127C>T on transcript NM_000548.5 (MANE Select); coding-DNA position 5127, C replaced by T.
Protein change: p.Pro1709=; no amino-acid change (proline 1709 retained).
Molecular consequence: synonymous variant.
Genome position (GRCh38, 1-based): chr16:2,088,106, C>T. VCF-style: chr16-2088106-C-T. GRCh37 (hg19) VCF-style: chr16-2138107-C-T.
Other names: c.4926C>T, p.Pro1642= (NM_001077183.3); c.5058C>T, p.Pro1686= (NM_001114382.3); c.4818C>T, p.Pro1606= (NM_001318827.2); c.4782C>T, p.Pro1594= (NM_001318829.2); c.4395C>T, p.Pro1465= (NM_001318831.2); c.4959C>T, p.Pro1653= (NM_001318832.2); c.4929C>T, p.Pro1643= (NM_001363528.2); c.4995C>T, p.Pro1665= (NM_001370404.1); and 1 more.
Identifiers: ClinVar variation 1107617 (VCV001107617.12), dbSNP rs200162473, ClinGen allele CA054009.